The following is an entry in ClinVar:

ClinVar aggregate classification (germline): Likely benign. Review status: criteria provided, multiple submitters, no conflicts (2 of 4 stars). 3 submissions from 3 submitters: Likely benign (3). Last evaluated 2024-08-19.

Conditions:
Maturity-onset diabetes of the young type 11. Identifiers: Orphanet 552, MedGen C3150618, MONDO:0013242, OMIM 613375.

Allele frequency attached by ClinVar (database versions not stated): gnomAD 0.00004; TOPMed 0.00004; ESP Exome Variant Server 0.00008.
gnomAD v4.1: 9 of 1,613,774 alleles (0.00056%); highest among the groups gnomAD compares: African/African-American, 0.0067%; no homozygotes.

Submissions (3):

Labcorp Genetics (formerly Invitae), Labcorp
Classification: Likely benign. Last evaluated: 2024-08-19. Review status: criteria provided, single submitter. Criteria: Invitae Variant Classification Sherloc (09022015). Collection method: clinical testing. Allele origin: germline.

Fulgent Genetics
Classification: Likely benign for Maturity-onset diabetes of the young type 11. Last evaluated: 2021-08-25. Review status: criteria provided, single submitter. Criteria: ACMG Guidelines, 2015. Collection method: clinical testing. Allele origin: unknown.

Illumina Laboratory Services, Illumina
Classification: Likely benign for Maturity-onset diabetes of the young type 11. Last evaluated: 2018-01-12. Review status: criteria provided, single submitter. Criteria: ICSL Variant Classification Criteria 13 December 2019. Collection method: clinical testing. Allele origin: germline.
Comment: This variant was observed in the ICSL laboratory as part of a predisposition screen in an ostensibly healthy population. It had not been previously curated by ICSL or reported in the Human Gene Mutation Database (HGMD: prior to June 1st, 2018), and was therefore a candidate for classification through an automated scoring system. Utilizing variant allele frequency, disease prevalence and penetrance estimates, and inheritance mode, an automated score was calculated to assess if this variant is too frequent to cause the disease. Based on the score and internal cut-off values, a variant classified as likely benign is not then subjected to further curation. The score for this variant resulted in a classification of likely benign for this disease.

NM_001715.3(BLK):c.465C>G (p.Thr155=)

Genes: BLK (BLK proto-oncogene, Src family tyrosine kinase), LOC126860303 (CDK7 strongly-dependent group 2 enhancer GRCh37_chr8:11407118-11408317). Cytogenetic location: 8p23.1.
Variant type: single nucleotide variant.
Coding change: c.465C>G on transcript NM_001715.3 (MANE Select); coding-DNA position 465, C replaced by G.
Protein change: p.Thr155=; no amino-acid change (threonine 155 retained).
Molecular consequence: synonymous variant.
Genome position (GRCh38, 1-based): chr8:11,550,255, C>G. VCF-style: chr8-11550255-C-G. GRCh37 (hg19) VCF-style: chr8-11407764-C-G.
Other names: c.252C>G, p.Thr84= (NM_001330465.2).
Identifiers: ClinVar variation 911982 (VCV000911982.7), dbSNP rs375035401, ClinGen allele CA4629887.